The following is an entry in ClinVar:

NM_018051.5(DYNC2I1):c.1057G>A (p.Val353Met)

Gene: DYNC2I1 (dynein 2 intermediate chain 1; plus strand). Cytogenetic location: 7q36.3.
Variant type: single nucleotide variant.
Coding change: c.1057G>A on transcript NM_018051.5 (MANE Select); coding-DNA position 1057, G replaced by A.
Protein change: p.Val353Met; replaces valine 353 with methionine.
Molecular consequence: missense variant. On other transcripts: 5 prime UTR variant (3).
Genome position (GRCh38, 1-based): chr7:158,891,331, G>A. VCF-style: chr7-158891331-G-A. GRCh37 (hg19) VCF-style: chr7-158684022-G-A.
Other names: c.919G>A, p.Val307Met (NM_001350914.2); c.484G>A, p.Val162Met (NM_001350915.2); c.-302G>A (NM_001350916.2); c.-310G>A (NM_001350917.2); c.-429G>A (NM_001350918.2); c.1057G>A (NM_018051.4); short protein forms V162M, V307M, V353M.
Identifiers: ClinVar variation 1680662 (VCV001680662.7), dbSNP rs201238212, ClinGen allele CA4594506.

ClinVar aggregate classification (germline): Uncertain significance. Review status: criteria provided, multiple submitters, no conflicts (2 of 4 stars). 2 submissions from 2 submitters: Uncertain significance (2). Last evaluated 2023-02-28.

Conditions:
Inborn genetic diseases. Identifiers: MedGen C0950123, MeSH D030342.
Short-rib thoracic dysplasia 8 with or without polydactyly (SRTD8). Also called: SHORT-RIB THORACIC DYSPLASIA 8 WITH POLYDACTYLY. Identifiers: Orphanet 93271, MedGen C3809691, MONDO:0014214, OMIM 615503.

Allele frequency attached by ClinVar (database versions not stated): gnomAD 0.00003; ExAC 0.00004; gnomAD exomes 0.00004 and 0.00008; TOPMed 0.00006; ESP Exome Variant Server 0.00008.
gnomAD v4.1: 121 of 1,613,924 alleles (0.0075%); highest among the groups gnomAD compares: Non-Finnish European, 0.0096%; no homozygotes.

Submissions (2):

Ambry Genetics
Classification: Uncertain significance for Inborn genetic diseases. Last evaluated: 2023-02-28. Review status: criteria provided, single submitter. Criteria: Ambry Variant Classification Scheme 2023. Collection method: clinical testing. Allele origin: germline.

Labcorp Genetics (formerly Invitae), Labcorp
Classification: Uncertain significance for Short-rib thoracic dysplasia 8 with or without polydactyly. Last evaluated: 2022-07-05. Review status: criteria provided, single submitter. Criteria: Invitae Variant Classification Sherloc (09022015). Collection method: clinical testing. Allele origin: germline.
Comment: This sequence change replaces valine, which is neutral and non-polar, with methionine, which is neutral and non-polar, at codon 353 of the WDR60 protein (p.Val353Met). This variant is present in population databases (rs201238212, gnomAD 0.006%). This variant has not been reported in the literature in individuals affected with WDR60-related conditions. ClinVar contains an entry for this variant (Variation ID: 1680662). Algorithms developed to predict the effect of missense changes on protein structure and function output the following: SIFT: "Tolerated"; PolyPhen-2: "Possibly Damaging"; Align-GVGD: "Class C0". The methionine amino acid residue is found in multiple mammalian species, which suggests that this missense change does not adversely affect protein function. Algorithms developed to predict the effect of sequence changes on RNA splicing suggest that this variant may disrupt the consensus splice site. In summary, the available evidence is currently insufficient to determine the role of this variant in disease. Therefore, it has been classified as a Variant of Uncertain Significance.